The following is an entry in ClinVar:

ClinVar aggregate classification (germline): Uncertain significance (1 of 4 stars; one submission).

Conditions:
Inborn genetic diseases. Identifiers: MedGen C0950123, MeSH D030342.

Submission:

Ambry Genetics
Classification: Uncertain significance for Inborn genetic diseases. Last evaluated: 2026-01-14. Review status: criteria provided, single submitter. Criteria: Ambry Variant Classification Scheme 2023. Collection method: clinical testing. Allele origin: germline.
Comment: The p.M388L variant (also known as c.1162A>T), located in coding exon 5 of the GATA2 gene, results from an A to T substitution at nucleotide position 1162. The methionine at codon 388 is replaced by leucine, an amino acid with highly similar properties. This amino acid position is conserved. In addition, this alteration is predicted to be deleterious by in silico analysis. Based on the available evidence, the clinical significance of this variant remains unclear.

NM_032638.5(GATA2):c.1162A>T (p.Met388Leu)

Gene: GATA2 (GATA binding protein 2; minus strand). Cytogenetic location: 3q21.3.
Variant type: single nucleotide variant.
Coding change: c.1162A>T on transcript NM_032638.5 (MANE Select); coding-DNA position 1162, A replaced by T.
Protein change: p.Met388Leu; replaces methionine 388 with leucine.
Molecular consequence: missense variant.
Genome position (GRCh38, 1-based): chr3:128,481,300, T>A on the plus strand (A>T on the coding strand, the complement: GATA2 is on the minus strand). VCF-style: chr3-128481300-T-A. GRCh37 (hg19) VCF-style: chr3-128200143-T-A.
Other names: c.1162A>T, p.Met388Leu (NM_001145661.2); c.1120A>T, p.Met374Leu (NM_001145662.1); short protein forms M374L, M388L.
Identifiers: ClinVar variation 4842577 (VCV004842577.1).